The following is an entry in ClinVar:

NM_017446.4(MRPL39):c.2T>C (p.Met1Thr)

Genes: MRPL39 (mitochondrial ribosomal protein L39; minus strand), LOC130066491 (ATAC-STARR-seq lymphoblastoid active region 18314; plus strand). Cytogenetic location: 21q21.3.
Variant type: single nucleotide variant.
Coding change: c.2T>C on transcript NM_017446.4 (MANE Select); coding-DNA position 2, T replaced by C.
Protein change: p.Met1Thr; changes the start codon (methionine 1).
Molecular consequence: missense variant, initiator codon variant.
Genome position (GRCh38, 1-based): chr21:25,607,474, A>G on the plus strand (T>C on the coding strand, the complement: MRPL39 is on the minus strand). VCF-style: chr21-25607474-A-G. GRCh37 (hg19) VCF-style: chr21-26979786-A-G.
Other names: c.2T>C, p.Met1Thr (NM_080794.4); short protein forms M1T.
Identifiers: ClinVar variation 3904802 (VCV003904802.10).

ClinVar aggregate classification (germline): Likely benign (1 of 4 stars; one submission).

Submission:

CeGaT Center for Human Genetics Tuebingen
Classification: Likely benign. Last evaluated: 2026-09-01. Review status: criteria provided, single submitter. Criteria: CeGaT Center For Human Genetics Tuebingen Variant Classification Criteria Version 2. Collection method: clinical testing. Allele origin: germline. Affected: yes. Observed: 6 variant alleles.
Comment: MRPL39: BS2